The following is an entry in ClinVar:

ClinVar aggregate classification (germline): Uncertain significance (1 of 4 stars; one submission).

Conditions:
Hereditary cancer-predisposing syndrome. Also called: Neoplastic Syndromes, Hereditary; Tumor predisposition; Hereditary neoplastic syndrome; Hereditary Cancer Syndrome. Identifiers: Orphanet 140162, MedGen C0027672, MeSH D009386, MONDO:0015356.

Submission:

Ambry Genetics
Classification: Uncertain significance for Hereditary cancer-predisposing syndrome. Last evaluated: 2023-09-18. Review status: criteria provided, single submitter. Criteria: Ambry Variant Classification Scheme 2023. Collection method: clinical testing. Allele origin: germline.
Comment: The p.P250A variant (also known as c.748C>G), located in coding exon 4 of the PDGFRA gene, results from a C to G substitution at nucleotide position 748. The proline at codon 250 is replaced by alanine, an amino acid with highly similar properties. This amino acid position is conserved. In addition, the in silico prediction for this alteration is inconclusive. Since supporting evidence is limited at this time, the clinical significance of this alteration remains unclear.

NM_006206.6(PDGFRA):c.748C>G (p.Pro250Ala)

Gene: PDGFRA (platelet derived growth factor receptor alpha; plus strand). Cytogenetic location: 4q12.
Variant type: single nucleotide variant.
Coding change: c.748C>G on transcript NM_006206.6 (MANE Select); coding-DNA position 748, C replaced by G.
Protein change: p.Pro250Ala; replaces proline 250 with alanine.
Molecular consequence: missense variant.
Genome position (GRCh38, 1-based): chr4:54,265,038, C>G. VCF-style: chr4-54265038-C-G. GRCh37 (hg19) VCF-style: chr4-55131205-C-G.
Other names: c.748C>G, p.Pro250Ala (NM_001347827.2, NM_001347829.2); c.823C>G, p.Pro275Ala (NM_001347828.2); c.787C>G, p.Pro263Ala (NM_001347830.2); short protein forms P250A, P263A, P275A.
Identifiers: ClinVar variation 3225317 (VCV003225317.1), dbSNP rs910676195, ClinGen allele CA96850324.